The following is an entry in ClinVar:

ClinVar aggregate classification (germline): Uncertain significance (1 of 4 stars; one submission).

Conditions:
Partial androgen insensitivity syndrome (PAIS). Also called: Reifenstein syndrome; ANDROGEN INSENSITIVITY, PARTIAL, WITH OR WITHOUT BREAST CANCER; Reifenstein syndrome, partial; Androgen resistance syndrome, partial; Type I familial incomplete male pseudohermaphroditism; Gynecomastia, familial. Identifiers: Orphanet 90797, MedGen C0268301, MONDO:0010720, OMIM 312300.

Submission:

Institute of Human Genetics, University of Leipzig Medical Center
Classification: Uncertain significance for Partial androgen insensitivity syndrome. Last evaluated: 2022-01-10. Review status: criteria provided, single submitter. Criteria: ACMG Guidelines, 2015. Collection method: clinical testing. Allele origin: unknown. Affected: yes.
Comment: This variant was identified as hemizygous._x000D_ In silico models predict a splice donor gain in the alternative transcript (NM_001011645.3:c.20+3G>A). Criteria applied: PM2_SUP, PP3, PP4

NM_000044.6(AR):c.1616+22263G>A

Gene: AR (androgen receptor; plus strand). Cytogenetic location: Xq12.
Variant type: single nucleotide variant.
Coding change: c.1616+22263G>A on transcript NM_000044.6 (MANE Select); 22263 bases into the intron after coding-DNA position 1616, G replaced by A.
Molecular consequence: intron variant.
Genome position (GRCh38, 1-based): chrX:67,569,025, G>A. VCF-style: chrX-67569025-G-A. GRCh37 (hg19) VCF-style: chrX-66788867-G-A.
Other names: c.20+3G>A (NM_001011645.3); c.1616+22263G>A (NM_001348061.1, NM_001348064.1, NM_001348063.1).
Identifiers: ClinVar variation 1338786 (VCV001338786.1), dbSNP rs2147344557, ClinGen allele CA2573055380.
Genomic context (GRCh38, chrX:67,569,025, plus strand): 5'-ATGCAGAGTGCTCCTGACATTGCCTGTCACTTTTTCCCATGATACTCTGGCTTCACAGGT[G>A]GGAGGTTCTTCAATTGAAAACTTAGAACTCAGTTTCTAGGGTAGTGAGTGTTGTAAGGTT-3'